The following is an entry in ClinVar:

ClinVar aggregate classification (germline): Uncertain significance (1 of 4 stars; one submission).

Conditions:
Distal hereditary motor neuropathy type 2. Identifiers: Orphanet 139525, MedGen C3711384, MeSH C580044, MONDO:0015352.

Submission:

Labcorp Genetics (formerly Invitae), Labcorp
Classification: Uncertain significance for Distal hereditary motor neuropathy type 2. Last evaluated: 2023-11-24. Review status: criteria provided, single submitter. Criteria: Invitae Variant Classification Sherloc (09022015). Collection method: clinical testing. Allele origin: germline.
Comment: This sequence change replaces aspartic acid, which is acidic and polar, with tyrosine, which is neutral and polar, at codon 809 of the FBXO38 protein (p.Asp809Tyr). This variant is not present in population databases (gnomAD no frequency). This variant has not been reported in the literature in individuals affected with FBXO38-related conditions. An algorithm developed to predict the effect of missense changes on protein structure and function (PolyPhen-2) suggests that this variant is likely to be disruptive. In summary, the available evidence is currently insufficient to determine the role of this variant in disease. Therefore, it has been classified as a Variant of Uncertain Significance.

NM_205836.3(FBXO38):c.2425G>T (p.Asp809Tyr)

Gene: FBXO38 (F-box protein 38; plus strand). Cytogenetic location: 5q32.
Variant type: single nucleotide variant.
Coding change: c.2425G>T on transcript NM_205836.3 (MANE Select); coding-DNA position 2425, G replaced by T.
Protein change: p.Asp809Tyr; replaces aspartic acid 809 with tyrosine.
Molecular consequence: missense variant. On other transcripts: intron variant (1).
Genome position (GRCh38, 1-based): chr5:148,427,719, G>T. VCF-style: chr5-148427719-G-T. GRCh37 (hg19) VCF-style: chr5-147807282-G-T.
Other names: c.2425G>T, p.Asp809Tyr (NM_030793.5); c.1918+2018G>T (NM_001271723.2); short protein forms D809Y.
Identifiers: ClinVar variation 2906237 (VCV002906237.3), dbSNP rs2531812184, ClinGen allele CA361657757.
Genomic context (GRCh38, chr5:148,427,719, plus strand): 5'-AGCAGGTGTTCTGATGAGGAACGTCCTTCAACCAGCCGAGCCTGTGTTGTGAATGGCCCG[G>T]ATGGTACGAGATCCGCCTTTTCCTTTAGGACTCTGCCACAAGGGGGGTCTTCAGGCCCAG-3'
Protein context (NP_995308.1, residues 799-819): TSRACVVNGP[Asp809Tyr]GTRSAFSFRT